The following is an entry in ClinVar:

ClinVar aggregate classification (germline): Uncertain significance (1 of 4 stars; one submission).

Submission:

Women's Health and Genetics/Laboratory Corporation of America, LabCorp
Classification: Uncertain significance. Last evaluated: 2023-10-24. Review status: criteria provided, single submitter. Criteria: LabCorp Variant Classification Summary - May 2015. Collection method: clinical testing. Allele origin: germline.
Comment: Variant summary: EHMT1 c.1015G>C (p.Val339Leu) results in a conservative amino acid change in the encoded protein sequence. Four of five in-silico tools predict a benign effect of the variant on protein function. The variant was absent in 250088 control chromosomes. The available data on variant occurrences in the general population are insufficient to allow any conclusion about variant significance. To our knowledge, no occurrence of c.1015G>C in individuals affected with Kleefstra Syndrome 1 and no experimental evidence demonstrating its impact on protein function have been reported. No submitters have cited clinical-significance assessments for this variant to ClinVar after 2014. Based on the evidence outlined above, the variant was classified as uncertain significance.

NM_024757.5(EHMT1):c.1015G>C (p.Val339Leu)

Gene: EHMT1 (euchromatic histone lysine methyltransferase 1; plus strand). Cytogenetic location: 9q34.3.
Variant type: single nucleotide variant.
Coding change: c.1015G>C on transcript NM_024757.5 (MANE Select); coding-DNA position 1015, G replaced by C.
Protein change: p.Val339Leu; replaces valine 339 with leucine.
Molecular consequence: missense variant.
Genome position (GRCh38, 1-based): chr9:137,743,935, G>C. VCF-style: chr9-137743935-G-C. GRCh37 (hg19) VCF-style: chr9-140638387-G-C.
Other names: c.1015G>C, p.Val339Leu (NM_001145527.2, NM_001354611.2); c.922G>C, p.Val308Leu (NM_001354259.2, NM_001354612.2); c.994G>C, p.Val332Leu (NM_001354263.2); short protein forms V308L, V332L, V339L.
Identifiers: ClinVar variation 2637445 (VCV002637445.1), dbSNP rs758535346, ClinGen allele CA375778915.